The following is an entry in ClinVar:

NM_001110556.2(FLNA):c.216C>A (p.Ser72Arg)

Gene: FLNA (filamin A; minus strand). Cytogenetic location: Xq28.
Variant type: single nucleotide variant.
Coding change: c.216C>A on transcript NM_001110556.2 (MANE Select); coding-DNA position 216, C replaced by A.
Protein change: p.Ser72Arg; replaces serine 72 with arginine.
Molecular consequence: missense variant.
Genome position (GRCh38, 1-based): chrX:154,371,030, G>T on the plus strand (C>A on the coding strand, the complement: FLNA is on the minus strand). VCF-style: chrX-154371030-G-T. GRCh37 (hg19) VCF-style: chrX-153599398-G-T.
Other names: c.216C>A, p.Ser72Arg (NM_001456.4); short protein forms S72R.
Identifiers: ClinVar variation 4076464 (VCV004076464.1).

ClinVar aggregate classification (germline): Uncertain significance (1 of 4 stars; one submission).

Conditions:
Cardiovascular phenotype. Identifiers: MedGen CN230736.

Submission:

Molecular Diagnostic Laboratory for Inherited Cardiovascular Disease, Montreal Heart Institute
Classification: Uncertain significance for Cardiovascular phenotype. Last evaluated: 2025-07-24. Review status: criteria provided, single submitter. Criteria: ACMG Guidelines, 2015. Collection method: clinical testing. Allele origin: germline. Affected: yes.
Comment: PM1, PM2, PP3